The following is an entry in ClinVar:

ClinVar aggregate classification (germline): Uncertain significance. Review status: criteria provided, multiple submitters, no conflicts (2 of 4 stars). 2 submissions from 2 submitters: Uncertain significance (2). Last evaluated 2025-09-26.

Conditions:
Inborn genetic diseases. Identifiers: MedGen C0950123, MeSH D030342.

Allele frequency attached by ClinVar (database versions not stated): gnomAD 0.00002; ExAC 0.00004.
gnomAD v4.1: 30 of 1,605,956 alleles (0.0019%); highest among the groups gnomAD compares: East Asian, 0.0022%; no homozygotes.

Submissions (2):

Ambry Genetics
Classification: Uncertain significance for Inborn genetic diseases. Last evaluated: 2025-09-26. Review status: criteria provided, single submitter. Criteria: Ambry Variant Classification Scheme 2023. Collection method: clinical testing. Allele origin: germline.

Labcorp Genetics (formerly Invitae), Labcorp
Classification: Uncertain significance. Last evaluated: 2022-08-13. Review status: criteria provided, single submitter. Criteria: Invitae Variant Classification Sherloc (09022015). Collection method: clinical testing. Allele origin: germline.
Comment: This sequence change replaces glycine, which is neutral and non-polar, with serine, which is neutral and polar, at codon 503 of the COL13A1 protein (p.Gly503Ser). This variant is present in population databases (rs767462995, gnomAD 0.01%). This variant has not been reported in the literature in individuals affected with COL13A1-related conditions. Algorithms developed to predict the effect of missense changes on protein structure and function (SIFT, PolyPhen-2, Align-GVGD) all suggest that this variant is likely to be disruptive. In summary, the available evidence is currently insufficient to determine the role of this variant in disease. Therefore, it has been classified as a Variant of Uncertain Significance.

NM_001368882.1(COL13A1):c.1540G>A (p.Gly514Ser)

Gene: COL13A1 (collagen type XIII alpha 1 chain; plus strand). Cytogenetic location: 10q22.1.
Variant type: single nucleotide variant.
Coding change: c.1540G>A on transcript NM_001368882.1 (MANE Select); coding-DNA position 1540, G replaced by A.
Protein change: p.Gly514Ser; replaces glycine 514 with serine.
Molecular consequence: missense variant.
Genome position (GRCh38, 1-based): chr10:69,930,409, G>A. VCF-style: chr10-69930409-G-A. GRCh37 (hg19) VCF-style: chr10-71690165-G-A.
Other names: c.1507G>A, p.Gly503Ser (NM_001130103.2); c.1477G>A, p.Gly493Ser (NM_001320951.2, NM_001368884.1); c.1504G>A, p.Gly502Ser (NM_001368883.1); c.1441G>A, p.Gly481Ser (NM_001368885.1, NM_080801.4, NM_080802.4); c.877G>A, p.Gly293Ser (NM_001368886.1); c.1450G>A, p.Gly484Ser (NM_001368895.1, NM_080800.4); c.1336G>A, p.Gly446Ser (NM_001368896.1, NM_001368898.1, NM_080798.4); c.1363G>A, p.Gly455Ser (NM_001368897.1); and 2 more; short protein forms G481S, G446S, G493S, G293S, G452S, G502S, G503S, G455S.
Identifiers: ClinVar variation 1906213 (VCV001906213.3), dbSNP rs767462995, ClinGen allele CA5534828.